The following is an entry in ClinVar:

NM_000090.4(COL3A1):c.2240G>A (p.Gly747Asp)

Gene: COL3A1 (collagen type III alpha 1 chain; plus strand). Cytogenetic location: 2q32.2.
Variant type: single nucleotide variant.
Coding change: c.2240G>A on transcript NM_000090.4 (MANE Select); coding-DNA position 2240, G replaced by A.
Protein change: p.Gly747Asp; replaces glycine 747 with aspartic acid.
Molecular consequence: missense variant.
Genome position (GRCh38, 1-based): chr2:188,999,852, G>A. VCF-style: chr2-188999852-G-A. GRCh37 (hg19) VCF-style: chr2-189864578-G-A.
Other names: short protein forms G747D.
Identifiers: ClinVar variation 841016 (VCV000841016.10), dbSNP rs1688417659, ClinGen allele CA349841127.

ClinVar aggregate classification (germline): Likely pathogenic (1 of 4 stars; one submission).

Conditions:
Ehlers-Danlos syndrome, type 4 (EDSVASC). Also called: Ehlers-Danlos Syndrome Type IV; Ehlers-Danlos syndrome vascular type; Ehlers Danlos syndrome, ecchymotic type; Ehlers Danlos syndrome, arterial type; Ehlers Danlos syndrome, Sack-Barabas type. Identifiers: Orphanet 286, MedGen C0268338, MONDO:0017314, OMIM 130050.

Submission:

Labcorp Genetics (formerly Invitae), Labcorp
Classification: Likely pathogenic for Ehlers-Danlos syndrome, type 4. Last evaluated: 2020-02-24. Review status: criteria provided, single submitter. Criteria: Invitae Variant Classification Sherloc (09022015). Collection method: clinical testing. Allele origin: germline.
Comment: This sequence change replaces glycine with aspartic acid at codon 747 of the COL3A1 protein (p.Gly747Asp). The glycine residue is highly conserved and there is a moderate physicochemical difference between glycine and aspartic acid. This variant is not present in population databases (ExAC no frequency). This variant has not been reported in the literature in individuals with COL3A1-related conditions. Glycine residues within the Gly-Xaa-Yaa repeats of the triple helix domain are required for the structure and stability of fibrillar collagens (PMID: 7695699, 8218237, 19344236). In COL3A1, missense variants at these glycine residues are significantly enriched in individuals with disease (PMID: 24922459, 25758994) compared to the general population (ExAC). In summary, this variant is a novel missense change affecting a residue that is known to be critical for normal protein structure, stability and function. This type of missense change is also highly enriched in affected individuals and expected to be pathogenic. However, without additional functional and/or genetic data, this variant has been classified as Likely Pathogenic.

Literature cited by the submitters: PubMed 7695699; PubMed 8218237; PubMed 19344236; PubMed 24922459; PubMed 25758994.